The following is an entry in ClinVar:

ClinVar aggregate classification (germline): Pathogenic (1 of 4 stars; one submission).

Conditions:
Telangiectasia, hereditary hemorrhagic, type 2 (HHT2). Also called: ACVRL1-Related Hereditary Hemorrhagic Telangiectasia; Telangiectasia, hereditary hemorrhagic, type II. Identifiers: Orphanet 774, MedGen C1838163, MONDO:0010880, OMIM 600376. Disease mechanism: loss of function.

Submission:

Labcorp Genetics (formerly Invitae), Labcorp
Classification: Pathogenic for Telangiectasia, hereditary hemorrhagic, type 2. Last evaluated: 2025-05-27. Review status: criteria provided, single submitter. Criteria: Invitae Variant Classification Sherloc (09022015). Collection method: clinical testing. Allele origin: germline.
Comment: This sequence change affects an acceptor splice site in intron 5 of the ACVRL1 gene. It is expected to disrupt RNA splicing. Variants that disrupt the donor or acceptor splice site typically lead to a loss of protein function (PMID: 16199547), and loss-of-function variants in ACVRL1 are known to be pathogenic (PMID: 15879500). This variant is not present in population databases (gnomAD no frequency). Disruption of this splice site has been observed in individuals with hereditary hemorrhagic telangiectasia (internal data). ClinVar contains an entry for this variant (Variation ID: 1483676). Algorithms developed to predict the effect of sequence changes on RNA splicing suggest that this variant may disrupt the consensus splice site. For these reasons, this variant has been classified as Pathogenic.

Literature cited by the submitters: PubMed 16199547; PubMed 15879500.

NM_000020.3(ACVRL1):c.626-1G>A

Gene: ACVRL1 (activin A receptor like type 1; plus strand). Cytogenetic location: 12q13.13.
Variant type: single nucleotide variant.
Coding change: c.626-1G>A on transcript NM_000020.3 (MANE Select); the canonical splice acceptor site of the intron before coding-DNA position 626, G replaced by A.
Molecular consequence: splice acceptor variant.
Genome position (GRCh38, 1-based): chr12:51,914,438, G>A. VCF-style: chr12-51914438-G-A. GRCh37 (hg19) VCF-style: chr12-52308222-G-A.
Other names: c.626-1G>A (NM_001406487.1, NM_001406488.1, NM_001077401.2 and 1 more transcripts); c.314-1G>A (NM_001406491.1, NM_001406490.1, NM_001406492.1 and 2 more transcripts); c.62-1G>A (NM_001406495.1).
Identifiers: ClinVar variation 1483676 (VCV001483676.6), dbSNP rs2139070294, ClinGen allele CA384899941.